The following is an entry in ClinVar:

NM_001040142.2(SCN2A):c.1594A>G (p.Ile532Val)

Gene: SCN2A (sodium voltage-gated channel alpha subunit 2; plus strand). Cytogenetic location: 2q24.3.
Variant type: single nucleotide variant.
Coding change: c.1594A>G on transcript NM_001040142.2 (MANE Select); coding-DNA position 1594, A replaced by G.
Protein change: p.Ile532Val; replaces isoleucine 532 with valine.
Molecular consequence: missense variant.
Genome position (GRCh38, 1-based): chr2:165,315,681, A>G. VCF-style: chr2-165315681-A-G. GRCh37 (hg19) VCF-style: chr2-166172191-A-G.
Other names: c.1594A>G, p.Ile532Val (NM_001040143.2, NM_001371246.1, NM_001371247.1 and 1 more transcripts); short protein forms I532V.
Identifiers: ClinVar variation 1721352 (VCV001721352.6), dbSNP rs1697706269, ClinGen allele CA349023780.

ClinVar aggregate classification (germline): Uncertain significance (1 of 4 stars; one submission).

Conditions:
Seizures, benign familial infantile, 3 (BFIS3). Also called: CONVULSIONS, BENIGN FAMILIAL INFANTILE, 3; Familial neonatal seizures. Identifiers: Orphanet 140927, Orphanet 306, MedGen C1843140, MONDO:0011904, OMIM 607745.
Developmental and epileptic encephalopathy, 11 (DEE11). Also called: Early infantile epileptic encephalopathy 11. Identifiers: Orphanet 1934, MedGen C3150987, MONDO:0013388, OMIM 613721.

Allele frequency attached by ClinVar (database versions not stated): gnomAD exomes below 0.00001.
gnomAD v4.1: 3 of 1,614,024 alleles (0.00019%); highest among the groups gnomAD compares: Non-Finnish European, 0.00025%; no homozygotes.

Submission:

Labcorp Genetics (formerly Invitae), Labcorp
Classification: Uncertain significance for Seizures, benign familial infantile, 3; Developmental and epileptic encephalopathy, 11. Last evaluated: 2022-10-09. Review status: criteria provided, single submitter. Criteria: Invitae Variant Classification Sherloc (09022015). Collection method: clinical testing. Allele origin: germline.
Comment: This sequence change replaces isoleucine, which is neutral and non-polar, with valine, which is neutral and non-polar, at codon 532 of the SCN2A protein (p.Ile532Val). This variant is not present in population databases (gnomAD no frequency). This variant has not been reported in the literature in individuals affected with SCN2A-related conditions. Advanced modeling of protein sequence and biophysical properties (such as structural, functional, and spatial information, amino acid conservation, physicochemical variation, residue mobility, and thermodynamic stability) performed at Invitae indicates that this missense variant is not expected to disrupt SCN2A protein function. In summary, the available evidence is currently insufficient to determine the role of this variant in disease. Therefore, it has been classified as a Variant of Uncertain Significance.